The following is an entry in ClinVar:

ClinVar aggregate classification (germline): Uncertain significance. Review status: criteria provided, multiple submitters, no conflicts (2 of 4 stars). 2 submissions from 2 submitters: Uncertain significance (2). Last evaluated 2025-04-24.

Conditions:
Congenital myasthenic syndrome 8. Also called: MYASTHENIC SYNDROME, CONGENITAL, DUE TO AGRIN DEFICIENCY; Myasthenic syndrome, congenital, 8, with pre- and postsynaptic defects. Identifiers: Orphanet 590, MedGen C3808739, MONDO:0014052, OMIM 615120.

Allele frequency attached by ClinVar (database versions not stated): TOPMed 0.00001.
gnomAD v4.1: 54 of 1,612,888 alleles (0.0033%); highest among the groups gnomAD compares: Non-Finnish European, 0.0043%; no homozygotes.

Submissions (2):

Revvity Omics, Revvity
Classification: Uncertain significance for Congenital myasthenic syndrome 8. Last evaluated: 2025-04-24. Review status: criteria provided, single submitter. Criteria: ACMG Guidelines, 2015. Collection method: clinical testing. Allele origin: germline.

Labcorp Genetics (formerly Invitae), Labcorp
Classification: Uncertain significance for Congenital myasthenic syndrome 8. Last evaluated: 2022-08-22. Review status: criteria provided, single submitter. Criteria: Invitae Variant Classification Sherloc (09022015). Collection method: clinical testing. Allele origin: germline.
Comment: This sequence change replaces proline, which is neutral and non-polar, with glutamine, which is neutral and polar, at codon 702 of the AGRN protein (p.Pro702Gln). This variant is present in population databases (rs149814455, gnomAD 0.004%). This variant has not been reported in the literature in individuals affected with AGRN-related conditions. ClinVar contains an entry for this variant (Variation ID: 846173). Algorithms developed to predict the effect of missense changes on protein structure and function are either unavailable or do not agree on the potential impact of this missense change (SIFT: "Tolerated"; PolyPhen-2: "Probably Damaging"; Align-GVGD: "Class C0"). In summary, the available evidence is currently insufficient to determine the role of this variant in disease. Therefore, it has been classified as a Variant of Uncertain Significance.

NM_198576.4(AGRN):c.2105C>A (p.Pro702Gln)

Gene: AGRN (agrin; plus strand). Cytogenetic location: 1p36.33.
Variant type: single nucleotide variant.
Coding change: c.2105C>A on transcript NM_198576.4 (MANE Select); coding-DNA position 2105, C replaced by A.
Protein change: p.Pro702Gln; replaces proline 702 with glutamine.
Molecular consequence: missense variant.
Genome position (GRCh38, 1-based): chr1:1,044,214, C>A. VCF-style: chr1-1044214-C-A. GRCh37 (hg19) VCF-style: chr1-979594-C-A.
Other names: c.2105C>A, p.Pro702Gln (NM_001305275.2); c.1790C>A, p.Pro597Gln (NM_001364727.2); short protein forms P597Q, P702Q.
Identifiers: ClinVar variation 846173 (VCV000846173.6), dbSNP rs149814455, ClinGen allele CA508469.